The following is an entry in ClinVar:

NM_001458.5(FLNC):c.5624A>G (p.Asn1875Ser)

Genes: FLNC (filamin C; plus strand), FLNC-AS1 (FLNC antisense RNA 1; minus strand). Cytogenetic location: 7q32.1.
Variant type: single nucleotide variant.
Coding change: c.5624A>G on transcript NM_001458.5 (MANE Select); coding-DNA position 5624, A replaced by G.
Protein change: p.Asn1875Ser; replaces asparagine 1875 with serine.
Molecular consequence: missense variant.
Genome position (GRCh38, 1-based): chr7:128,851,316, A>G. VCF-style: chr7-128851316-A-G. GRCh37 (hg19) VCF-style: chr7-128491370-A-G.
Other names: c.5525A>G, p.Asn1842Ser (NM_001127487.2); c.5624A>G (NM_001458.4); short protein forms N1842S, N1875S.
Identifiers: ClinVar variation 1040459 (VCV001040459.8), dbSNP rs1808801761, ClinGen allele CA369207629.

ClinVar aggregate classification (germline): Uncertain significance. Review status: criteria provided, multiple submitters, no conflicts (2 of 4 stars). 3 submissions from 3 submitters: Uncertain significance (3). Last evaluated 2024-03-11.

Conditions:
Cardiovascular phenotype. Identifiers: MedGen CN230736.
Myofibrillar myopathy 5. Also called: FILAMINOPATHY, AUTOSOMAL DOMINANT; Filaminopathy (type). Identifiers: Orphanet 171445, MedGen C1836050, MONDO:0012289, OMIM 609524.
Distal myopathy with posterior leg and anterior hand involvement. Also called: WILLIAMS DISTAL MYOPATHY. Identifiers: Orphanet 63273, MedGen C3279722, MONDO:0013550, OMIM 614065.
Hypertrophic cardiomyopathy 26. Also called: Cardiomyopathy, familial hypertrophic, 26. Identifiers: Orphanet 75249, MedGen C4310749, MONDO:0014883, OMIM 617047.

Submissions (3):

Labcorp Genetics (formerly Invitae), Labcorp
Classification: Uncertain significance for Distal myopathy with posterior leg and anterior hand involvement; Myofibrillar myopathy 5; Hypertrophic cardiomyopathy 26. Last evaluated: 2024-03-11. Review status: criteria provided, single submitter. Criteria: Invitae Variant Classification Sherloc (09022015). Collection method: clinical testing. Allele origin: germline.
Comment: This sequence change replaces asparagine, which is neutral and polar, with serine, which is neutral and polar, at codon 1875 of the FLNC protein (p.Asn1875Ser). This variant is not present in population databases (gnomAD no frequency). This variant has not been reported in the literature in individuals affected with FLNC-related conditions. ClinVar contains an entry for this variant (Variation ID: 1040459). Advanced modeling of protein sequence and biophysical properties (such as structural, functional, and spatial information, amino acid conservation, physicochemical variation, residue mobility, and thermodynamic stability) has been performed at Invitae for this missense variant, however the output from this modeling did not meet the statistical confidence thresholds required to predict the impact of this variant on FLNC protein function. In summary, the available evidence is currently insufficient to determine the role of this variant in disease. Therefore, it has been classified as a Variant of Uncertain Significance.

Revvity Omics, Revvity
Classification: Uncertain significance. Last evaluated: 2023-11-28. Review status: criteria provided, single submitter. Criteria: ACMG Guidelines, 2015. Collection method: clinical testing. Allele origin: germline.

Ambry Genetics
Classification: Uncertain significance for Cardiovascular phenotype. Last evaluated: 2023-06-05. Review status: criteria provided, single submitter. Criteria: Ambry Variant Classification Scheme 2023. Collection method: clinical testing. Allele origin: germline.
Comment: The p.N1875S variant (also known as c.5624A>G), located in coding exon 34 of the FLNC gene, results from an A to G substitution at nucleotide position 5624. The asparagine at codon 1875 is replaced by serine, an amino acid with highly similar properties. This amino acid position is conserved. In addition, this alteration is predicted to be tolerated by in silico analysis. Since supporting evidence is limited at this time, the clinical significance of this alteration remains unclear.